The following is an entry in ClinVar:

ClinVar aggregate classification (germline): Uncertain significance (1 of 4 stars; one submission).

Submission:

Labcorp Genetics (formerly Invitae), Labcorp
Classification: Uncertain significance. Last evaluated: 2025-11-03. Review status: criteria provided, single submitter. Criteria: Invitae Variant Classification Sherloc (09022015). Collection method: clinical testing. Allele origin: germline.
Comment: This variant, c.2976_2978del, results in the deletion of 1 amino acid(s) of the BUB1 protein (p.Ala993del), but otherwise preserves the integrity of the reading frame. This variant is not present in population databases (gnomAD no frequency). This variant has not been reported in the literature in individuals affected with BUB1-related conditions. Experimental studies and prediction algorithms are not available or were not evaluated, and the functional significance of this variant is currently unknown. In summary, the available evidence is currently insufficient to determine the role of this variant in disease. Therefore, it has been classified as a Variant of Uncertain Significance.

NM_004336.5(BUB1):c.2973TGC[1] (p.Ala993del)

Gene: BUB1 (BUB1 mitotic checkpoint serine/threonine kinase; minus strand). Cytogenetic location: 2q13.
Variant type: Microsatellite.
Coding change: c.2973TGC[1] on transcript NM_004336.5 (MANE Select); one copy of the 3-base unit TGC starting at c.2973; the reference has two copies in a row; one copy, 3 bases deleted.
Protein change: p.Ala993del; deletes alanine 993.
Molecular consequence: inframe deletion.
Genome position (GRCh38, 1-based): chr2:110,639,826-110,639,828, GCA deleted on the plus strand (TGC on the coding strand, the reverse complement: BUB1 is on the minus strand); deleting any 3 consecutive bases within chr2:110,639,826-110,639,831 gives the same sequence; the position shown is the placement nearest the transcript's 3' end. VCF-style (leftmost placement, unchanged base first): chr2-110639825-TGCA-T. GRCh37 (hg19) VCF-style: chr2-111397402-TGCA-T.
Other names: c.2913TGC[1], p.Ala973del (NM_001278616.2); c.2802TGC[1], p.Ala936del (NM_001278617.2); short protein forms A936del, A973del, A993del.
Identifiers: ClinVar variation 4730391 (VCV004730391.1).